The following is an entry in ClinVar:

ClinVar aggregate classification (germline): Uncertain significance. Review status: criteria provided, multiple submitters, no conflicts (2 of 4 stars). 3 submissions from 3 submitters: Uncertain significance (3). Last evaluated 2026-04-14.

Conditions:
Progressive familial intrahepatic cholestasis type 2. Identifiers: Orphanet 79304, MedGen C3489789, MONDO:0011156, OMIM 601847.
Benign recurrent intrahepatic cholestasis type 2 (BRIC2). Also called: Recurrent familial intrahepatic cholestasis 2. Identifiers: Orphanet 65682, Orphanet 99961, MedGen C2608083, MONDO:0011559, OMIM 605479.
Familial intrahepatic cholestasis. Identifiers: Orphanet 284385, MedGen CN296401, MONDO:0017290.

Allele frequency attached by ClinVar (database versions not stated): gnomAD exomes 0.00006; TOPMed 0.00006; gnomAD 0.00007; ExAC 0.00008; ESP Exome Variant Server 0.00016.
gnomAD v4.1: 109 of 1,613,642 alleles (0.0068%); highest among the groups gnomAD compares: South Asian, 0.013%; no homozygotes.

Submissions (3):

Genomenon, Inc
Classification: Uncertain significance for Familial intrahepatic cholestasis. Last evaluated: 2026-04-14. Review status: criteria provided, single submitter. Criteria: Genomenon Sequence Variant Interpretation Standards - Updated. Collection method: curation. Allele origin: germline. Affected: yes.
Comment: ABCB11 p.Ala1283Val (c.3848C>T) is a missense variant that changes the amino acid at residue 1283 from Alanine to Valine. This variant has been observed in at least one proband with an ABCB11-related disorder (PMID:28733223). It is absent or not present at a significant frequency in gnomAD. In conclusion, we classify ABCB11 p.Ala1283Val (c.3848C>T) as a variant of uncertain significance.

Fulgent Genetics
Classification: Uncertain significance for Progressive familial intrahepatic cholestasis type 2; Benign recurrent intrahepatic cholestasis type 2. Last evaluated: 2022-05-07. Review status: criteria provided, single submitter. Criteria: ACMG Guidelines, 2015. Collection method: clinical testing. Allele origin: unknown.

Eurofins Ntd Llc (ga)
Classification: Uncertain significance. Last evaluated: 2018-03-14. Review status: criteria provided, single submitter. Criteria: EGL ClinVar v180209 classification definitions. Collection method: clinical testing. Allele origin: germline. Observed: 2 variant alleles, 2 heterozygotes.

Literature cited by the submitters: PubMed 28733223 (cited by Genomenon, Inc).

NM_003742.4(ABCB11):c.3848C>T (p.Ala1283Val)

Gene: ABCB11 (ATP binding cassette subfamily B member 11; minus strand). Cytogenetic location: 2q31.1.
Variant type: single nucleotide variant.
Coding change: c.3848C>T on transcript NM_003742.4 (MANE Select); coding-DNA position 3848, C replaced by T.
Protein change: p.Ala1283Val; replaces alanine 1283 with valine.
Molecular consequence: missense variant.
Genome position (GRCh38, 1-based): chr2:168,923,740, G>A on the plus strand (C>T on the coding strand, the complement: ABCB11 is on the minus strand). VCF-style: chr2-168923740-G-A. GRCh37 (hg19) VCF-style: chr2-169780250-G-A.
Other names: c.3848C>T, p.Ala1283Val (LRG_1199t1); short protein forms A1283V.
Identifiers: ClinVar variation 288349 (VCV000288349.7), dbSNP rs372886308, ClinGen allele CA1950913.